The following is an entry in ClinVar:

ClinVar aggregate classification (germline): Uncertain significance (1 of 4 stars; one submission).

Conditions:
Autoimmune lymphoproliferative syndrome type 2A (ALPS2A). Also called: CASP10-Related Autoimmune Lymphoproliferative Syndrome; AUTOIMMUNE LYMPHOPROLIFERATIVE SYNDROME, TYPE IIA; Autoimmune lymphoproliferative syndrome type 2. Identifiers: Orphanet 3261, MedGen C1858968, MONDO:0011383, OMIM 603909.

Allele frequency attached by ClinVar (database versions not stated): TOPMed below 0.00001.

Submission:

Labcorp Genetics (formerly Invitae), Labcorp
Classification: Uncertain significance for Autoimmune lymphoproliferative syndrome type 2A. Last evaluated: 2023-01-17. Review status: criteria provided, single submitter. Criteria: Invitae Variant Classification Sherloc (09022015). Collection method: clinical testing. Allele origin: germline.
Comment: In summary, the available evidence is currently insufficient to determine the role of this variant in disease. Therefore, it has been classified as a Variant of Uncertain Significance. This sequence change replaces leucine, which is neutral and non-polar, with arginine, which is basic and polar, at codon 214 of the CASP10 protein (p.Leu214Arg). Algorithms developed to predict the effect of missense changes on protein structure and function are either unavailable or do not agree on the potential impact of this missense change (SIFT: "Deleterious"; PolyPhen-2: "Possibly Damaging"; Align-GVGD: "Class C0"). This variant has not been reported in the literature in individuals affected with CASP10-related conditions. This variant is not present in population databases (gnomAD no frequency).

NM_032977.4(CASP10):c.641T>G (p.Leu214Arg)

Gene: CASP10 (caspase 10; plus strand). Cytogenetic location: 2q33.1.
Variant type: single nucleotide variant.
Coding change: c.641T>G on transcript NM_032977.4 (MANE Select); coding-DNA position 641, T replaced by G.
Protein change: p.Leu214Arg; replaces leucine 214 with arginine.
Molecular consequence: missense variant.
Genome position (GRCh38, 1-based): chr2:201,195,905, T>G. VCF-style: chr2-201195905-T-G. GRCh37 (hg19) VCF-style: chr2-202060628-T-G.
Other names: c.641T>G, p.Leu214Arg (NM_001206524.2, NM_001206542.2, NM_001230.5 and 3 more transcripts); short protein forms L214R.
Identifiers: ClinVar variation 2086101 (VCV002086101.4), dbSNP rs1944777091, ClinGen allele CA350279718.